The following is an entry in ClinVar:

NM_000127.3(EXT1):c.1586G>A (p.Trp529Ter)

Gene: EXT1 (exostosin glycosyltransferase 1; minus strand). Cytogenetic location: 8q24.11.
Variant type: single nucleotide variant.
Coding change: c.1586G>A on transcript NM_000127.3 (MANE Select); coding-DNA position 1586, G replaced by A.
Protein change: p.Trp529Ter; replaces tryptophan 529 with a stop codon.
Molecular consequence: nonsense.
Genome position (GRCh38, 1-based): chr8:117,818,481, C>T on the plus strand (G>A on the coding strand, the complement: EXT1 is on the minus strand). VCF-style: chr8-117818481-C-T. GRCh37 (hg19) VCF-style: chr8-118830720-C-T.
Other names: short protein forms W529*.
Identifiers: ClinVar variation 2127112 (VCV002127112.4), dbSNP rs2129736695, ClinGen allele CA371883214.

ClinVar aggregate classification (germline): Pathogenic (1 of 4 stars; one submission).

Conditions:
Multiple congenital exostosis (EXT). Also called: Multiple exostoses; Hereditary multiple osteochondromas; Hereditary multiple exostoses; Hereditary multiple exostosis; Multiple osteochondromas; MULTIPLE CARTILAGINOUS EXOSTOSES. Identifiers: Orphanet 321, MedGen C0015306, MONDO:0005508, HP:0002762.

Submission:

Labcorp Genetics (formerly Invitae), Labcorp
Classification: Pathogenic for Multiple congenital exostosis. Last evaluated: 2022-04-18. Review status: criteria provided, single submitter. Criteria: Invitae Variant Classification Sherloc (09022015). Collection method: clinical testing. Allele origin: germline.
Comment: For these reasons, this variant has been classified as Pathogenic. This premature translational stop signal has been observed in individual(s) with multiple osteochondromatosis (PMID: 17041877). This variant is not present in population databases (gnomAD no frequency). This sequence change creates a premature translational stop signal (p.Trp529*) in the EXT1 gene. It is expected to result in an absent or disrupted protein product. Loss-of-function variants in EXT1 are known to be pathogenic (PMID: 10679937, 11391482, 19810120).

Literature cited by the submitters: PubMed 17041877; PubMed 10679937; PubMed 11391482; PubMed 19810120.